The following is an entry in ClinVar:

ClinVar aggregate classification (germline): Pathogenic. Review status: no assertion criteria provided (0 of 4 stars). 2 submissions from 2 submitters: Pathogenic (2). Last evaluated 2024-06-24.

Conditions:
NUP188-related disorder. Also called: NUP188-related condition.
Sandestig-stefanova syndrome. Identifiers: MedGen C5394118, MONDO:0032926, OMIM 618804.

Allele frequency attached by ClinVar (database versions not stated): TOPMed below 0.00001; ExAC 0.00002; gnomAD exomes 0.00002.
gnomAD v4.1: 11 of 1,611,518 alleles (0.00068%); no homozygotes.

Submissions (2):

PreventionGenetics, part of Exact Sciences
Classification: Pathogenic for NUP188-related condition. Last evaluated: 2024-06-24. Review status: no assertion criteria provided. Collection method: clinical testing. Allele origin: germline.
Comment: The NUP188 c.3144C>G variant is predicted to result in premature protein termination (p.Tyr1048*). This variant has been reported in the compound heterozygous state in three individuals with multisystem involvement including cardiorespiratory, neurologic, and ophthalmologic abnormalities along with dysmorphic features (Muir et al. 2020. PubMed ID: 32275884). This variant is reported in 0.040% of alleles in individuals of Ashkenazi Jewish descent in gnomAD. Nonsense variants in NUP188 are expected to be pathogenic. This variant is interpreted as pathogenic.

OMIM
Classification: Pathogenic for SANDESTIG-STEFANOVA SYNDROME. Last evaluated: 2020-06-16. Review status: no assertion criteria provided. Collection method: literature only. Allele origin: germline.

Literature cited by the submitters: PubMed 32275884 (cited by OMIM).

NM_015354.3(NUP188):c.3144C>G (p.Tyr1048Ter)

Gene: NUP188 (nucleoporin 188; plus strand). Cytogenetic location: 9q34.11.
Variant type: single nucleotide variant.
Coding change: c.3144C>G on transcript NM_015354.3 (MANE Select); coding-DNA position 3144, C replaced by G.
Protein change: p.Tyr1048Ter; replaces tyrosine 1048 with a stop codon.
Molecular consequence: nonsense.
Genome position (GRCh38, 1-based): chr9:128,994,912, C>G. VCF-style: chr9-128994912-C-G. GRCh37 (hg19) VCF-style: chr9-131757191-C-G.
Other names: c.3144C>G (NM_015354.2); short protein forms Y1048*.
Identifiers: ClinVar variation 918008 (VCV000918008.2), dbSNP rs780228848, ClinGen allele CA5272869.
Genomic context (GRCh38, chr9:128,994,912, plus strand): 5'-ACAGCCCAGCATCCTGGAAACCTGTGCCCTAATCATGAAGATAATTTGCTTGGAGATATA[C>G]TATGTAGTAAAGTGAGTACTTTCCCCTCTTGAGATTTTAACTGAAGGTTGGGGGAGTGGG-3'